The following is an entry in ClinVar:

ClinVar aggregate classification (germline): Uncertain significance. Review status: criteria provided, multiple submitters, no conflicts (2 of 4 stars). 2 submissions from 2 submitters: Uncertain significance (2). Last evaluated 2025-12-20.

Conditions:
Arrhythmogenic right ventricular dysplasia 12. Also called: ARRHYTHMOGENIC RIGHT VENTRICULAR DYSPLASIA, FAMILIAL, 12. Identifiers: MedGen C1969081, MONDO:0012684, OMIM 611528.
Naxos disease (NXD). Also called: KERATOSIS PALMOPLANTARIS WITH ARRHYTHMOGENIC CARDIOMYOPATHY; MAL DE NAXOS; PALMOPLANTAR KERATODERMA WITH ARRHYTHMOGENIC RIGHT VENTRICULAR CARDIOMYOPATHY AND WOOLLY HAIR; WOOLLY HAIR, PALMOPLANTAR KERATODERMA, AND CARDIAC ABNORMALITIES; CARDIOMYOPATHY, ARRHYTHMOGENIC RIGHT VENTRICULAR, WITH SKIN, HAIR, AND NAIL ABNORMALITIES. Identifiers: Orphanet 34217, MedGen C1832600, MONDO:0011017, OMIM 601214.
Cardiovascular phenotype. Identifiers: MedGen CN230736.

Allele frequency attached by ClinVar (database versions not stated): gnomAD exomes 0.00001.
gnomAD v4.1: 6 of 1,614,168 alleles (0.00037%); highest among the groups gnomAD compares: Non-Finnish European, 0.00051%; no homozygotes.

Submissions (2):

Labcorp Genetics (formerly Invitae), Labcorp
Classification: Uncertain significance for Arrhythmogenic right ventricular dysplasia 12; Naxos disease. Last evaluated: 2025-12-20. Review status: criteria provided, single submitter. Criteria: Invitae Variant Classification Sherloc (09022015). Collection method: clinical testing. Allele origin: germline.
Comment: This sequence change replaces valine, which is neutral and non-polar, with glutamic acid, which is acidic and polar, at codon 349 of the JUP protein (p.Val349Glu). This variant is not present in population databases (gnomAD no frequency). This variant has not been reported in the literature in individuals affected with JUP-related conditions. ClinVar contains an entry for this variant (Variation ID: 2448236). An algorithm developed to predict the effect of missense changes on protein structure and function (PolyPhen-2) suggests that this variant is likely to be disruptive. In summary, the available evidence is currently insufficient to determine the role of this variant in disease. Therefore, it has been classified as a Variant of Uncertain Significance.

Ambry Genetics
Classification: Uncertain significance for Cardiovascular phenotype. Last evaluated: 2022-12-31. Review status: criteria provided, single submitter. Criteria: Ambry Variant Classification Scheme 2023. Collection method: clinical testing. Allele origin: germline.
Comment: The p.V349E variant (also known as c.1046T>A), located in coding exon 5 of the JUP gene, results from a T to A substitution at nucleotide position 1046. The valine at codon 349 is replaced by glutamic acid, an amino acid with dissimilar properties. This amino acid position is conserved. In addition, this alteration is predicted to be deleterious by in silico analysis. Since supporting evidence is limited at this time, the clinical significance of this alteration remains unclear.

NM_002230.4(JUP):c.1046T>A (p.Val349Glu)

Gene: JUP (junction plakoglobin; minus strand). Cytogenetic location: 17q21.2.
Variant type: single nucleotide variant.
Coding change: c.1046T>A on transcript NM_002230.4 (MANE Select); coding-DNA position 1046, T replaced by A.
Protein change: p.Val349Glu; replaces valine 349 with glutamic acid.
Molecular consequence: missense variant.
Genome position (GRCh38, 1-based): chr17:41,764,931, A>T on the plus strand (T>A on the coding strand, the complement: JUP is on the minus strand). VCF-style: chr17-41764931-A-T. GRCh37 (hg19) VCF-style: chr17-39921183-A-T.
Other names: c.1046T>A, p.Val349Glu (NM_001352777.2, NM_001352773.2, NM_001352774.2 and 3 more transcripts); short protein forms V349E.
Identifiers: ClinVar variation 2448236 (VCV002448236.3), dbSNP rs782648958, ClinGen allele CA399499218.